The following is an entry in ClinVar:

ClinVar aggregate classification (germline): Uncertain significance (1 of 4 stars; one submission).

Conditions:
KCND2-related disorder. Also called: KCND2-related condition.

Submission:

3billion
Classification: Uncertain significance for KCND2-related disorder. Last evaluated: 2025-09-08. Review status: criteria provided, single submitter. Criteria: ACMG Guidelines, 2015. Collection method: clinical testing. Allele origin: germline. Affected: yes.
Comment: The variant is not observed in the gnomAD v4.1.0 dataset. Predicted Consequence/Location: Missense variant. Missense changes are a common disease-causing mechanism. In silico tool predictions suggest damaging effect of the variant on gene or gene product [REVEL: 0.98 (>=0.6, sensitivity 0.68 and specificity 0.92); 3Cnet: 0.98 (> 0.75, sensitivity 0.96 and precision 0.92)]. Therefore, this variant is classified as VUS according to the recommendation of ACMG/AMP guideline.

NM_012281.3(KCND2):c.947C>G (p.Thr316Arg)

Gene: KCND2 (potassium voltage-gated channel subfamily D member 2; plus strand). Cytogenetic location: 7q31.31.
Variant type: single nucleotide variant.
Coding change: c.947C>G on transcript NM_012281.3 (MANE Select); coding-DNA position 947, C replaced by G.
Protein change: p.Thr316Arg; replaces threonine 316 with arginine.
Molecular consequence: missense variant.
Genome position (GRCh38, 1-based): chr7:120,275,579, C>G. VCF-style: chr7-120275579-C-G. GRCh37 (hg19) VCF-style: chr7-119915633-C-G.
Other names: short protein forms T316R.
Identifiers: ClinVar variation 4855151 (VCV004855151.1).
Genomic context (GRCh38, chr7:120,275,579, plus strand): 5'-GGGTCTTCAGGATCTTTAAGTTTTCCCGCCACTCTCAAGGCCTGCGCATCCTGGGGTACA[C>G]ACTGAAGAGTTGTGCCTCAGAATTGGGCTTCTTGCTTTTCTCGCTCACCATGGCTATCAT-3'
Protein context (NP_036413.1, residues 306-326): HSQGLRILGY[Thr316Arg]LKSCASELGF